The following is an entry in ClinVar:

ClinVar aggregate classification (germline): Uncertain significance (1 of 4 stars; one submission).

Conditions:
Hereditary nonpolyposis colorectal neoplasms. Identifiers: MedGen C0009405, MeSH D003123.

Submission:

Labcorp Genetics (formerly Invitae), Labcorp
Classification: Uncertain significance for Hereditary nonpolyposis colorectal neoplasms. Last evaluated: 2025-03-24. Review status: criteria provided, single submitter. Criteria: Invitae Variant Classification Sherloc (09022015). Collection method: clinical testing. Allele origin: germline.
Comment: This sequence change replaces arginine, which is basic and polar, with leucine, which is neutral and non-polar, at codon 1034 of the MSH6 protein (p.Arg1034Leu). This variant is not present in population databases (gnomAD no frequency). This variant has not been reported in the literature in individuals affected with MSH6-related conditions. Invitae Evidence Modeling of protein sequence and biophysical properties (such as structural, functional, and spatial information, amino acid conservation, physicochemical variation, residue mobility, and thermodynamic stability) has been performed for this missense variant. However, the output from this modeling did not meet the statistical confidence thresholds required to predict the impact of this variant on MSH6 protein function. In summary, the available evidence is currently insufficient to determine the role of this variant in disease. Therefore, it has been classified as a Variant of Uncertain Significance.

NM_000179.3(MSH6):c.3101G>T (p.Arg1034Leu)

Gene: MSH6 (mutS homolog 6; plus strand). Cytogenetic location: 2p16.3.
Variant type: single nucleotide variant.
Coding change: c.3101G>T on transcript NM_000179.3 (MANE Select); coding-DNA position 3101, G replaced by T.
Protein change: p.Arg1034Leu; replaces arginine 1034 with leucine.
Molecular consequence: missense variant. On other transcripts: non-coding transcript variant (5), intron variant (2).
Genome position (GRCh38, 1-based): chr2:47,801,084, G>T. VCF-style: chr2-47801084-G-T. GRCh37 (hg19) VCF-style: chr2-48028223-G-T.
Other names: c.2711G>T, p.Arg904Leu (NM_001281492.2); c.2195G>T, p.Arg732Leu (NM_001281493.2, NM_001281494.2, NM_001406811.1 and 6 more transcripts); c.3197G>T, p.Arg1066Leu (NM_001406795.1, NM_001406802.1); c.3101G>T, p.Arg1034Leu (NM_001406796.1, NM_001406798.1, NM_001406800.1 and 2 more transcripts); c.2804G>T, p.Arg935Leu (NM_001406797.1, NM_001406801.1, NM_001406805.1 and 10 more transcripts); c.2576G>T, p.Arg859Leu (NM_001406799.1, NM_001406806.1, NM_001406807.1); c.3023G>T, p.Arg1008Leu (NM_001406804.1); c.3107G>T, p.Arg1036Leu (NM_001406813.1); and 4 more; short protein forms R1008L, R1034L, R1036L, R1066L, R349L, R732L, R859L, R904L.
Identifiers: ClinVar variation 4800223 (VCV004800223.1).